The following is an entry in ClinVar:

NM_000038.6(APC):c.3193C>A (p.Gln1065Lys)

Gene: APC (APC regulator of Wnt signaling pathway; plus strand). Cytogenetic location: 5q22.2.
Variant type: single nucleotide variant.
Coding change: c.3193C>A on transcript NM_000038.6 (MANE Select); coding-DNA position 3193, C replaced by A.
Protein change: p.Gln1065Lys; replaces glutamine 1065 with lysine.
Molecular consequence: missense variant.
Genome position (GRCh38, 1-based): chr5:112,838,787, C>A. VCF-style: chr5-112838787-C-A. GRCh37 (hg19) VCF-style: chr5-112174484-C-A.
Other names: c.3193C>A, p.Gln1065Lys (NM_001127510.3, NM_001354895.2); c.3139C>A, p.Gln1047Lys (NM_001127511.3); c.3247C>A, p.Gln1083Lys (NM_001354896.2); c.3223C>A, p.Gln1075Lys (NM_001354897.2); c.3118C>A, p.Gln1040Lys (NM_001354898.2); c.3109C>A, p.Gln1037Lys (NM_001354899.2); c.3070C>A, p.Gln1024Lys (NM_001354900.2); c.3016C>A, p.Gln1006Lys (NM_001354901.2); and 5 more; short protein forms Q1047K, Q1065K, Q1040K, Q939K, Q1037K, Q782K, Q905K, Q964K.
Identifiers: ClinVar variation 469914 (VCV000469914.46), dbSNP rs1330361513, ClinGen allele CA16028336.

ClinVar aggregate classification (germline): Uncertain significance. Review status: criteria provided, multiple submitters, no conflicts (2 of 4 stars). 6 submissions from 6 submitters: Uncertain significance (6). Last evaluated 2025-06-24.

Conditions:
Hereditary cancer-predisposing syndrome. Also called: Hereditary neoplastic syndrome; Tumor predisposition; Neoplastic Syndromes, Hereditary; Hereditary Cancer Syndrome. Identifiers: Orphanet 140162, MedGen C0027672, MeSH D009386, MONDO:0015356.
Familial adenomatous polyposis 1 (FAP1). Also called: FAMILIAL ADENOMATOUS POLYPOSIS 1, ATTENUATED; POLYPOSIS, ADENOMATOUS INTESTINAL. Identifiers: MedGen C2713442, MONDO:0021056, OMIM 175100. Disease mechanism: loss of function.

Allele frequency attached by ClinVar (database versions not stated): gnomAD exomes below 0.00001.
gnomAD v4.1: 4 of 1,614,082 alleles (0.00025%); highest among the groups gnomAD compares: Admixed American, 0.0017%; no homozygotes.

Submissions (6):

Labcorp Genetics (formerly Invitae), Labcorp
Classification: Uncertain significance for Familial adenomatous polyposis 1. Last evaluated: 2025-06-24. Review status: criteria provided, single submitter. Criteria: Invitae Variant Classification Sherloc (09022015). Collection method: clinical testing. Allele origin: germline.
Comment: This sequence change replaces glutamine, which is neutral and polar, with lysine, which is basic and polar, at codon 1065 of the APC protein (p.Gln1065Lys). This variant is present in population databases (no rsID available, gnomAD 0.0009%). This variant has not been reported in the literature in individuals affected with APC-related conditions. ClinVar contains an entry for this variant (Variation ID: 469914). Invitae Evidence Modeling of protein sequence and biophysical properties (such as structural, functional, and spatial information, amino acid conservation, physicochemical variation, residue mobility, and thermodynamic stability) indicates that this missense variant is not expected to disrupt APC protein function with a negative predictive value of 95%. In summary, the available evidence is currently insufficient to determine the role of this variant in disease. Therefore, it has been classified as a Variant of Uncertain Significance.

Center for Genomic Medicine, Rigshospitalet, Copenhagen University Hospital
Classification: Uncertain significance. Last evaluated: 2025-03-04. Review status: criteria provided, single submitter. Criteria: ACMG Guidelines, 2015. Collection method: clinical testing. Allele origin: germline.

Ambry Genetics
Classification: Uncertain significance for Hereditary cancer-predisposing syndrome. Last evaluated: 2024-02-16. Review status: criteria provided, single submitter. Criteria: Ambry Variant Classification Scheme 2023. Collection method: clinical testing. Allele origin: germline.
Comment: The p.Q1065K variant (also known as c.3193C>A), located in coding exon 15 of the APC gene, results from a C to A substitution at nucleotide position 3193. The glutamine at codon 1065 is replaced by lysine, an amino acid with similar properties. This amino acid position is well conserved in available vertebrate species. In addition, in silico predictors for this gene do not accurately predict pathogenicity. Since supporting evidence is limited at this time, the clinical significance of this alteration remains unclear.

Color Diagnostics, LLC DBA Color Health
Classification: Uncertain significance for Hereditary cancer-predisposing syndrome. Last evaluated: 2023-12-21. Review status: criteria provided, single submitter. Criteria: ACMG Guidelines, 2015. Collection method: clinical testing. Allele origin: germline.
Comment: This missense variant replaces glutamine with lysine at codon 1065 of the APC protein. Computational prediction suggests that this variant may not impact protein structure and function (internally defined REVEL score threshold <= 0.5, PMID: 27666373). To our knowledge, functional studies have not been reported for this variant. This variant has not been reported in individuals affected with APC-related disorders in the literature. This variant has been identified in 1/250414 chromosomes in the general population by the Genome Aggregation Database (gnomAD). The available evidence is insufficient to determine the role of this variant in disease conclusively. Therefore, this variant is classified as a Variant of Uncertain Significance.

GeneDx
Classification: Uncertain significance. Last evaluated: 2023-10-27. Review status: criteria provided, single submitter. Criteria: GeneDx Variant Classification Process June 2021. Collection method: clinical testing. Allele origin: germline. Affected: yes.
Comment: Not observed at significant frequency in large population cohorts (gnomAD); In silico analysis supports that this missense variant does not alter protein structure/function; Has not been previously published as pathogenic or benign to our knowledge; This variant is associated with the following publications: (PMID: 18199528)

CeGaT Center for Human Genetics Tuebingen
Classification: Uncertain significance. Last evaluated: 2023-09-01. Review status: criteria provided, single submitter. Criteria: CeGaT Center For Human Genetics Tuebingen Variant Classification Criteria Version 2. Collection method: clinical testing. Allele origin: germline. Affected: yes. Observed: 1 variant allele.
Comment: APC: PM2